The following is an entry in ClinVar:

NM_022051.3(EGLN1):c.326A>T (p.Lys109Met)

Gene: EGLN1 (egl-9 family hypoxia inducible factor 1; minus strand). Cytogenetic location: 1q42.2.
Variant type: single nucleotide variant.
Coding change: c.326A>T on transcript NM_022051.3 (MANE Select); coding-DNA position 326, A replaced by T.
Protein change: p.Lys109Met; replaces lysine 109 with methionine.
Molecular consequence: missense variant.
Genome position (GRCh38, 1-based): chr1:231,421,563, T>A on the plus strand (A>T on the coding strand, the complement: EGLN1 is on the minus strand). VCF-style: chr1-231421563-T-A. GRCh37 (hg19) VCF-style: chr1-231557309-T-A.
Other names: c.326A>T, p.Lys109Met (NM_001377260.1, NM_001377261.1); short protein forms K109M.
Identifiers: ClinVar variation 4016874 (VCV004016874.1).

ClinVar aggregate classification (germline): Uncertain significance (1 of 4 stars; one submission).

Submission:

Ambry Genetics
Classification: Uncertain significance. Last evaluated: 2025-05-25. Review status: criteria provided, single submitter. Criteria: Ambry Variant Classification Scheme 2023. Collection method: clinical testing. Allele origin: germline.
Comment: The p.K109M variant (also known as c.326A>T), located in coding exon 1 of the EGLN1 gene, results from an A to T substitution at nucleotide position 326. The lysine at codon 109 is replaced by methionine, an amino acid with similar properties. This amino acid position is conserved. In addition, this alteration is predicted to be tolerated by in silico analysis. Based on the available evidence, the clinical significance of this variant remains unclear.